The following is an entry in ClinVar:

NM_004387.4(NKX2-5):c.900G>C (p.Leu300Phe)

Gene: NKX2-5 (NK2 homeobox 5; minus strand). Cytogenetic location: 5q35.1.
Variant type: single nucleotide variant.
Coding change: c.900G>C on transcript NM_004387.4 (MANE Select); coding-DNA position 900, G replaced by C.
Protein change: p.Leu300Phe; replaces leucine 300 with phenylalanine.
Molecular consequence: missense variant. On other transcripts: 3 prime UTR variant (2).
Genome position (GRCh38, 1-based): chr5:173,232,644, C>G on the plus strand (G>C on the coding strand, the complement: NKX2-5 is on the minus strand). VCF-style: chr5-173232644-C-G. GRCh37 (hg19) VCF-style: chr5-172659647-C-G.
Other names: c.*853G>C (NM_001166175.2); c.*699G>C (NM_001166176.2); short protein forms L300F.
Identifiers: ClinVar variation 1765469 (VCV001765469.2), dbSNP rs2480071015, ClinGen allele CA362160910.

ClinVar aggregate classification (germline): Uncertain significance (1 of 4 stars; one submission).

Conditions:
Cardiovascular phenotype. Identifiers: MedGen CN230736.

Submission:

Ambry Genetics
Classification: Uncertain significance for Cardiovascular phenotype. Last evaluated: 2020-01-06. Review status: criteria provided, single submitter. Criteria: Ambry Variant Classification Scheme 2023. Collection method: clinical testing. Allele origin: germline.
Comment: The p.L300F variant (also known as c.900G>C), located in coding exon 2 of the NKX2-5 gene, results from a G to C substitution at nucleotide position 900. The leucine at codon 300 is replaced by phenylalanine, an amino acid with highly similar properties. This amino acid position is highly conserved in available vertebrate species. In addition, the in silico prediction for this alteration is inconclusive. Since supporting evidence is limited at this time, the clinical significance of this alteration remains unclear.